The following is an entry in ClinVar:

ClinVar aggregate classification (germline): Likely benign. Review status: criteria provided, multiple submitters, no conflicts (2 of 4 stars). 3 submissions from 3 submitters: Likely benign (3). Last evaluated 2026-07-02.

Conditions:
Nephronophthisis 14 (NPHP14). Identifiers: Orphanet 2318, MedGen C3539071, MONDO:0013916, OMIM 614844.
ZNF423-related disorder. Also called: ZNF423-related condition.

Allele frequency attached by ClinVar (database versions not stated): TOPMed 0.00002; gnomAD 0.00003; gnomAD exomes 0.00004 and 0.00008; ExAC 0.00014; 1000 Genomes Project 30x 0.00016; 1000 Genomes Project 0.00020.
gnomAD v4.1: 67 of 1,610,060 alleles (0.0042%); highest among the groups gnomAD compares: East Asian, 0.027%; no homozygotes.

Submissions (3):

PreventionGenetics, part of Exact Sciences
Classification: Likely benign for ZNF423-related condition. Last evaluated: 2026-07-02. Review status: criteria provided, single submitter. Criteria: ACMG Guidelines, 2015. Collection method: clinical testing. Allele origin: germline.
Comment: This variant is classified as likely benign based on ACMG/AMP sequence variant interpretation guidelines (Richards et al. 2015 PMID: 25741868, with internal and published modifications).

Labcorp Genetics (formerly Invitae), Labcorp
Classification: Likely benign for Nephronophthisis 14. Last evaluated: 2024-12-23. Review status: criteria provided, single submitter. Criteria: Invitae Variant Classification Sherloc (09022015). Collection method: clinical testing. Allele origin: germline.

Blueprint Genetics
Classification: Likely benign. Last evaluated: 2024-10-17. Review status: criteria provided, single submitter. Criteria: ACMG Guidelines, 2015. Collection method: clinical testing. Allele origin: germline.

NM_001379286.1(ZNF423):c.942C>T (p.Asp314=)

Gene: ZNF423 (zinc finger protein 423; minus strand). Cytogenetic location: 16q12.1.
Variant type: single nucleotide variant.
Coding change: c.942C>T on transcript NM_001379286.1 (MANE Select); coding-DNA position 942, C replaced by T.
Protein change: p.Asp314=; no amino-acid change (aspartic acid 314 retained).
Molecular consequence: synonymous variant.
Genome position (GRCh38, 1-based): chr16:49,638,234, G>A on the plus strand (C>T on the coding strand, the complement: ZNF423 is on the minus strand). VCF-style: chr16-49638234-G-A. GRCh37 (hg19) VCF-style: chr16-49672145-G-A.
Other names: c.738C>T, p.Asp246= (NM_001271620.2); c.567C>T, p.Asp189= (NM_001330533.2); c.918C>T, p.Asp306= (NM_015069.5); c.918C>T (NM_015069.4).
Identifiers: ClinVar variation 757296 (VCV000757296.11), dbSNP rs182494771, ClinGen allele CA8046783.